The following is an entry in ClinVar:

ClinVar aggregate classification (germline): Uncertain significance (1 of 4 stars; one submission).

Submission:

GeneDx
Classification: Uncertain significance. Last evaluated: 2026-01-30. Review status: criteria provided, single submitter. Criteria: GeneDx Variant Classification Process June 2021. Collection method: clinical testing. Allele origin: germline.
Comment: Not observed at significant frequency in large population cohorts (gnomAD); In silico analysis supports that this missense variant has a deleterious effect on protein structure/function; Has not been previously published as pathogenic or benign to our knowledge

NM_001352027.3(PHF21A):c.205C>A (p.Pro69Thr)

Gene: PHF21A (PHD finger protein 21A; minus strand). Cytogenetic location: 11p11.2.
Variant type: single nucleotide variant.
Coding change: c.205C>A on transcript NM_001352027.3 (MANE Select); coding-DNA position 205, C replaced by A.
Protein change: p.Pro69Thr; replaces proline 69 with threonine.
Molecular consequence: missense variant. On other transcripts: non-coding transcript variant (2).
Genome position (GRCh38, 1-based): chr11:45,979,915, G>T on the plus strand (C>A on the coding strand, the complement: PHF21A is on the minus strand). VCF-style: chr11-45979915-G-T. GRCh37 (hg19) VCF-style: chr11-46001466-G-T.
Other names: c.205C>A, p.Pro69Thr (NM_001101802.3, NM_001352025.3, NM_001352026.3 and 9 more transcripts); c.226C>A, p.Pro76Thr (NM_001441167.1, NM_001441168.1, NM_001441169.1); short protein forms P69T, P76T.
Identifiers: ClinVar variation 4975936 (VCV004975936.1).